The following is an entry in ClinVar:

NM_000077.5(CDKN2A):c.458-90C>G

Gene: CDKN2A (cyclin dependent kinase inhibitor 2A; minus strand). Cytogenetic location: 9p21.3.
Variant type: single nucleotide variant.
Coding change: c.458-90C>G on transcript NM_000077.5 (MANE Select); 90 bases into the intron before coding-DNA position 458, C replaced by G.
Molecular consequence: intron variant.
Genome position (GRCh38, 1-based): chr9:21,968,332, G>C on the plus strand (C>G on the coding strand, the complement: CDKN2A is on the minus strand). VCF-style: chr9-21968332-G-C. GRCh37 (hg19) VCF-style: chr9-21968331-G-C.
Other names: c.*102-90C>G (NM_058195.4); c.*151-90C>G (NM_001195132.2); c.*381-90C>G (NM_058197.5); c.305-90C>G (NM_001363763.2).
Identifiers: ClinVar variation 4294188 (VCV004294188.1).

ClinVar aggregate classification (germline): Benign (1 of 4 stars; one submission).

Conditions:
Melanoma-pancreatic cancer syndrome. Identifiers: Orphanet 404560, MedGen C1838547, MONDO:0011713, OMIM 606719. Disease mechanism: loss of function.

Submission:

Myriad Genetics, Inc.
Classification: Benign for Melanoma-pancreatic cancer syndrome. Last evaluated: 2025-08-15. Review status: criteria provided, single submitter. Criteria: Myriad Autosomal Dominant, Autosomal Recessive and X-Linked Classification Criteria (2023). Collection method: clinical testing. Allele origin: unknown.
Comment: This variant is considered benign. This variant is intronic and is not expected to impact mRNA splicing.